The following is an entry in ClinVar:

NM_052859.4(RFT1):c.*490T>A

Gene: RFT1 (RFT1 glycolipid translocator homolog; minus strand). Cytogenetic location: 3p21.1.
Variant type: single nucleotide variant.
Coding change: c.*490T>A on transcript NM_052859.4 (MANE Select); 490 bases downstream of the stop codon, T replaced by A.
Molecular consequence: 3 prime UTR variant.
Genome position (GRCh38, 1-based): chr3:53,091,413, A>T on the plus strand (T>A on the coding strand, the complement: RFT1 is on the minus strand). VCF-style: chr3-53091413-A-T. GRCh37 (hg19) VCF-style: chr3-53125429-A-T.
Identifiers: ClinVar variation 346174 (VCV000346174.6), dbSNP rs62255926, ClinGen allele CA10619268.

ClinVar aggregate classification (germline): Benign. Review status: criteria provided, multiple submitters, no conflicts (2 of 4 stars). 2 submissions from 2 submitters: Benign (2). Last evaluated 2018-01-13.

Conditions:
RFT1-congenital disorder of glycosylation (CDG1N). Also called: Congenital disorder of glycosylation type In; CDG In; RFT1-CDG. Identifiers: Orphanet 244310, MedGen C2677590, MONDO:0012783, OMIM 612015.

Allele frequency attached by ClinVar (database versions not stated): 1000 Genomes Project 30x 0.14444; 1000 Genomes Project 0.14796; TOPMed 0.19209; gnomAD 0.21145 and 0.21225; gnomAD exomes 0.23004.
gnomAD v4.1: 34,294 of 160,944 alleles (21%); highest among the groups gnomAD compares: Middle Eastern, 36%; 4,603 homozygotes.

Submissions (2):

Illumina Laboratory Services, Illumina
Classification: Benign for RFT1-congenital disorder of glycosylation. Last evaluated: 2018-01-13. Review status: criteria provided, single submitter. Criteria: ICSL Variant Classification Criteria 13 December 2019. Collection method: clinical testing. Allele origin: germline.
Comment: This variant was observed in the ICSL laboratory as part of a predisposition screen in an ostensibly healthy population. It had not been previously curated by ICSL or reported in the Human Gene Mutation Database (HGMD: prior to June 1st, 2018), and was therefore a candidate for classification through an automated scoring system. Utilizing variant allele frequency, disease prevalence and penetrance estimates, and inheritance mode, an automated score was calculated to assess if this variant is too frequent to cause the disease. Based on the score and internal cut-off values, a variant classified as benign is not then subjected to further curation. The score for this variant resulted in a classification of benign for this disease.

Breakthrough Genomics
Classification: Benign. Review status: criteria provided, single submitter. Criteria: ACMG Guidelines, 2015. Collection method: not provided. Allele origin: germline. Inheritance: Autosomal recessive inheritance. Affected: yes.